The following is an entry in ClinVar:

ClinVar aggregate classification (germline): Benign. Review status: criteria provided, multiple submitters, no conflicts (2 of 4 stars). 4 submissions from 4 submitters: Benign (4). Last evaluated 2021-11-07.

Conditions:
Hyperuricemia, pulmonary hypertension, renal failure, alkalosis syndrome (HUPRAS). Also called: HUPRA SYNDROME; HYPERURICEMIA, PULMONARY HYPERTENSION, RENAL FAILURE, AND ALKALOSIS SYNDROME. Identifiers: Orphanet 363694, MedGen C3151209, MONDO:0013458, OMIM 613845.

Allele frequency attached by ClinVar (database versions not stated): ExAC 0.71211; ESP Exome Variant Server 0.71381; gnomAD exomes 0.71487; gnomAD 0.73727 and 0.73950; TOPMed 0.75342; 1000 Genomes Project 30x 0.83823; 1000 Genomes Project 0.84205.
gnomAD v4.1: 1,061,264 of 1,611,412 alleles (66%); highest among the groups gnomAD compares: East Asian, 97%; 356,845 homozygotes.

Submissions (4):

Genome-Nilou Lab
Classification: Benign for Hyperuricemia, pulmonary hypertension, renal failure, alkalosis syndrome. Last evaluated: 2021-11-07. Review status: criteria provided, single submitter. Criteria: ACMG Guidelines, 2015. Collection method: clinical testing. Allele origin: germline. Affected: no.

Illumina Laboratory Services, Illumina
Classification: Benign for Hyperuricemia, pulmonary hypertension, renal failure, alkalosis syndrome. Last evaluated: 2018-01-13. Review status: criteria provided, single submitter. Criteria: ICSL Variant Classification Criteria 13 December 2019. Collection method: clinical testing. Allele origin: germline.
Comment: This variant was observed in the ICSL laboratory as part of a predisposition screen in an ostensibly healthy population. It had not been previously curated by ICSL or reported in the Human Gene Mutation Database (HGMD: prior to June 1st, 2018), and was therefore a candidate for classification through an automated scoring system. Utilizing variant allele frequency, disease prevalence and penetrance estimates, and inheritance mode, an automated score was calculated to assess if this variant is too frequent to cause the disease. Based on the score and internal cut-off values, a variant classified as benign is not then subjected to further curation. The score for this variant resulted in a classification of benign for this disease.

GeneDx
Classification: Benign. Last evaluated: 2015-03-03. Review status: criteria provided, single submitter. Criteria: GeneDx Variant Classification Process June 2021. Collection method: clinical testing. Allele origin: germline. Affected: yes.

Breakthrough Genomics
Classification: Benign. Review status: criteria provided, single submitter. Criteria: ACMG Guidelines, 2015. Collection method: not provided. Allele origin: germline. Inheritance: Autosomal recessive inheritance. Affected: yes.

NM_017827.4(SARS2):c.-12T>C

Genes: SARS2 (seryl-tRNA synthetase 2, mitochondrial; minus strand), LOC130064387 (ATAC-STARR-seq lymphoblastoid active region 14604; plus strand). Cytogenetic location: 19q13.2.
Variant type: single nucleotide variant.
Coding change: c.-12T>C on transcript NM_017827.4 (MANE Select); 12 bases upstream of the start codon, T replaced by C.
Molecular consequence: 5 prime UTR variant.
Genome position (GRCh38, 1-based): chr19:38,930,748, A>G on the plus strand (T>C on the coding strand, the complement: SARS2 is on the minus strand). VCF-style: chr19-38930748-A-G. GRCh37 (hg19) VCF-style: chr19-39421388-A-G.
Other names: c.-12T>C (NM_001145901.2).
Identifiers: ClinVar variation 329227 (VCV000329227.10), dbSNP rs730078, ClinGen allele CA9423375.
Genomic context (GRCh38, chr19:38,930,748, plus strand): 5'-CCCGACGAGTCAGCAAAGGCCACAAGCGCCGCGCCATGGACGCAGCCATCTTGGACCGGG[A>G]ACAAGGCGGCACTTCGTCCCGCCCACTCCGCGTTTAGACCAATTGCAAGGCAGCGAACCT-3'